The following is an entry in ClinVar:

ClinVar aggregate classification (germline): Uncertain significance (1 of 4 stars; one submission).

Conditions:
Orofacial cleft 6, susceptibility to (OFC6). Also called: CLEFT LIP WITH OR WITHOUT CLEFT PALATE, NONSYNDROMIC, 6. Identifiers: MedGen C1837213, MONDO:0012141, OMIM 608864.
Popliteal pterygium syndrome (PPS). Identifiers: Orphanet 294963, MedGen C0265259, MONDO:0017435.
Van der Woude syndrome. Identifiers: Orphanet 888, MedGen C0175697, MONDO:0019508.

Submission:

Labcorp Genetics (formerly Invitae), Labcorp
Classification: Uncertain significance for Orofacial cleft 6, susceptibility to; Van der Woude syndrome; Popliteal pterygium syndrome. Last evaluated: 2019-12-25. Review status: criteria provided, single submitter. Criteria: Invitae Variant Classification Sherloc (09022015). Collection method: clinical testing. Allele origin: germline.
Comment: In summary, the available evidence is currently insufficient to determine the role of this variant in disease. Therefore, it has been classified as a Variant of Uncertain Significance. Nucleotide substitutions within the consensus splice site are a relatively common cause of aberrant splicing (PMID: 17576681, 9536098). Algorithms developed to predict the effect of sequence changes on RNA splicing suggest that this variant may disrupt the consensus splice site, but this prediction has not been confirmed by published transcriptional studies. This variant has been observed in individual(s) with popliteal pterygium syndrome (PMID: 19282774). This variant is not present in population databases (ExAC no frequency). This sequence change affects codon 58 of the IRF6 mRNA. It is a 'silent' change, meaning that it does not change the encoded amino acid sequence of the IRF6 protein. This variant also falls at the last nucleotide of exon 3 of the IRF6 coding sequence, which is part of the consensus splice site for this exon.

Literature cited by the submitters: PubMed 17576681; PubMed 9536098; PubMed 19282774.

NM_006147.4(IRF6):c.174G>A (p.Lys58=)

Gene: IRF6 (interferon regulatory factor 6; minus strand). Cytogenetic location: 1q32.2.
Variant type: single nucleotide variant.
Coding change: c.174G>A on transcript NM_006147.4 (MANE Select); coding-DNA position 174, G replaced by A.
Protein change: p.Lys58=; no amino-acid change (lysine 58 retained).
Molecular consequence: synonymous variant. On other transcripts: intron variant (1).
Genome position (GRCh38, 1-based): chr1:209,801,240, C>T on the plus strand (G>A on the coding strand, the complement: IRF6 is on the minus strand). VCF-style: chr1-209801240-C-T. GRCh37 (hg19) VCF-style: chr1-209974585-C-T.
Other names: c.-111-4688G>A (NM_001206696.2).
Identifiers: ClinVar variation 857662 (VCV000857662.10), dbSNP rs2077939771, ClinGen allele CA423031194.